The following is an entry in ClinVar:

NM_032608.7(MYO18B):c.5471G>A (p.Gly1824Asp)

Gene: MYO18B (myosin XVIIIB; plus strand). Cytogenetic location: 22q12.1.
Variant type: single nucleotide variant.
Coding change: c.5471G>A on transcript NM_032608.7 (MANE Select); coding-DNA position 5471, G replaced by A.
Protein change: p.Gly1824Asp; replaces glycine 1824 with aspartic acid.
Molecular consequence: missense variant.
Genome position (GRCh38, 1-based): chr22:25,921,363, G>A. VCF-style: chr22-25921363-G-A. GRCh37 (hg19) VCF-style: chr22-26317330-G-A.
Other names: c.5474G>A, p.Gly1825Asp (NM_001318245.2); c.5471G>A (NM_032608.6, NM_032608.5); short protein forms G1824D, G1825D.
Identifiers: ClinVar variation 1471701 (VCV001471701.6), dbSNP rs759119999, ClinGen allele CA10161168.

ClinVar aggregate classification (germline): Uncertain significance. Review status: criteria provided, multiple submitters, no conflicts (2 of 4 stars). 3 submissions from 3 submitters: Uncertain significance (3). Last evaluated 2025-10-15.

Conditions:
Inborn genetic diseases. Identifiers: MedGen C0950123, MeSH D030342.
MYO18B-related disorder. Also called: MYO18B-related condition.

Allele frequency attached by ClinVar (database versions not stated): gnomAD 0.00001 and 0.00004; gnomAD exomes 0.00006 and 0.00016; TOPMed 0.00007; ExAC 0.00030.
gnomAD v4.1: 89 of 1,596,848 alleles (0.0056%); highest among the groups gnomAD compares: Admixed American, 0.061%; no homozygotes.

Submissions (3):

Ambry Genetics
Classification: Uncertain significance for Inborn genetic diseases. Last evaluated: 2025-10-15. Review status: criteria provided, single submitter. Criteria: Ambry Variant Classification Scheme 2023. Collection method: clinical testing. Allele origin: germline.

PreventionGenetics, part of Exact Sciences
Classification: Uncertain significance for MYO18B-related condition. Last evaluated: 2025-10-01. Review status: criteria provided, single submitter. Criteria: ACMG Guidelines, 2015. Collection method: clinical testing. Allele origin: germline.
Comment: The MYO18B c.5471G>A variant is predicted to result in the amino acid substitution p.Gly1824Asp. To our knowledge, this variant has not been reported in the literature. This variant is reported in 0.079% of alleles in individuals of Latino descent in gnomAD. Although we suspect that this variant may be benign, at this time, the clinical significance of this variant is uncertain due to the absence of conclusive functional and genetic evidence.

Labcorp Genetics (formerly Invitae), Labcorp
Classification: Uncertain significance. Last evaluated: 2022-10-17. Review status: criteria provided, single submitter. Criteria: Invitae Variant Classification Sherloc (09022015). Collection method: clinical testing. Allele origin: germline.
Comment: This sequence change replaces glycine, which is neutral and non-polar, with aspartic acid, which is acidic and polar, at codon 1824 of the MYO18B protein (p.Gly1824Asp). This variant is present in population databases (rs759119999, gnomAD 0.07%). This variant has not been reported in the literature in individuals affected with MYO18B-related conditions. ClinVar contains an entry for this variant (Variation ID: 1471701). Algorithms developed to predict the effect of missense changes on protein structure and function are either unavailable or do not agree on the potential impact of this missense change (SIFT: "Not Available"; PolyPhen-2: "Benign"; Align-GVGD: "Not Available"). In summary, the available evidence is currently insufficient to determine the role of this variant in disease. Therefore, it has been classified as a Variant of Uncertain Significance.